The following is an entry in ClinVar:

ClinVar aggregate classification (germline): Uncertain significance (1 of 4 stars; one submission).

Submission:

Dasa
Classification: Uncertain significance. Last evaluated: 2025-02-18. Review status: criteria provided, single submitter. Criteria: DASA Assertion Criteria. Collection method: clinical testing. Allele origin: germline.
Comment: NM_001370100.5(ZMYND11):c.1778A>G (p.Glu593Gly) is a missense variant that results in the substitution of glutamic acid with glycine. The affected residue or protein region has prior evidence supporting clinical relevance. This variant is absent from population databases. Computational prediction algorithms are consistent with a benign effect. The currently available literature and clinical evidence are not sufficient to establish a definitive association between this variant and the reported condition. Therefore, this variant is classified as a variant of uncertain significance.

NM_001370100.5(ZMYND11):c.1778A>G (p.Glu593Gly)

Gene: ZMYND11 (zinc finger MYND-type containing 11; plus strand). Cytogenetic location: 10p15.3.
Variant type: single nucleotide variant.
Coding change: c.1778A>G on transcript NM_001370100.5 (MANE Select); coding-DNA position 1778, A replaced by G.
Protein change: p.Glu593Gly; replaces glutamic acid 593 with glycine.
Molecular consequence: missense variant. On other transcripts: non-coding transcript variant (1).
Genome position (GRCh38, 1-based): chr10:252,439, A>G. VCF-style: chr10-252439-A-G. GRCh37 (hg19) VCF-style: chr10-298379-A-G.
Other names: c.1616A>G, p.Glu539Gly (NM_001370105.2, NM_001370106.2, NM_001370107.2 and 5 more transcripts); c.1523A>G, p.Glu508Gly (NM_001370110.2, NM_001202465.3); c.1613A>G, p.Glu538Gly (NM_001370111.2, NM_001202466.3); c.1727A>G, p.Glu576Gly (NM_001370112.2, NM_001330057.3); c.1685A>G, p.Glu562Gly (NM_001370113.2, NM_001370114.2); c.1778A>G, p.Glu593Gly (NM_001370097.3, NM_001370098.2, NM_001370099.2 and 3 more transcripts); c.1775A>G, p.Glu592Gly (NM_001370115.2); c.1712A>G, p.Glu571Gly (NM_001370116.2); and 8 more; short protein forms E436G, E474G, E491G, E499G, E508G, E517G, E538G, E539G.
Identifiers: ClinVar variation 4880868 (VCV004880868.2).